The following is an entry in ClinVar:

ClinVar aggregate classification (germline): Uncertain significance (1 of 4 stars; one submission).

Allele frequency attached by ClinVar (database versions not stated): gnomAD exomes below 0.00001.
gnomAD v4.1: 1 of 1,614,000 alleles (0.000062%); highest among the groups gnomAD compares: African/African-American, 0.0013%; no homozygotes.

Submission:

GeneDx
Classification: Uncertain significance. Last evaluated: 2022-12-12. Review status: criteria provided, single submitter. Criteria: GeneDx Variant Classification Process June 2021. Collection method: clinical testing. Allele origin: germline. Affected: yes.
Comment: In silico analysis supports that this variant does not alter splicing; Has not been previously published as pathogenic or benign to our knowledge

NM_001349338.3(FOXP1):c.291G>A (p.Val97=)

Gene: FOXP1 (forkhead box P1; minus strand). Cytogenetic location: 3p13.
Variant type: single nucleotide variant.
Coding change: c.291G>A on transcript NM_001349338.3 (MANE Select); coding-DNA position 291, G replaced by A.
Protein change: p.Val97=; no amino-acid change (valine 97 retained).
Molecular consequence: synonymous variant. On other transcripts: 5 prime UTR variant (7), non-coding transcript variant (2), intron variant (1).
Genome position (GRCh38, 1-based): chr3:71,053,765, C>T on the plus strand (G>A on the coding strand, the complement: FOXP1 is on the minus strand). VCF-style: chr3-71053765-C-T. GRCh37 (hg19) VCF-style: chr3-71102916-C-T.
Other names: c.291G>A, p.Val97= (NM_001244808.3, NM_001244810.2, NM_001244814.3 and 5 more transcripts); c.-10G>A (NM_001244813.3, NM_001244815.2, NM_001349337.2 and 4 more transcripts); c.283-6670G>A (NM_001244812.3).
Identifiers: ClinVar variation 2504934 (VCV002504934.1), dbSNP rs1190549831, ClinGen allele CA434325576.
Genomic context (GRCh38, chr3:71,053,765, plus strand): 5'-CTGGAGGATCTGCTGCATTTGCTGGGGAGTGATAACTTGAGGTGTCATCATAGCCACTGA[C>T]ACGGGAACCTAGAATGTTAATGAAGGATAAATAGGAAGCCAGGAAATCAGAAGCACGCAG-3'
Protein context (NP_001336267.1, residues 87-107): NDKQPALQVP[Val97=]SVAMMTPQVI